The following is an entry in ClinVar:

ClinVar aggregate classification (germline): Uncertain significance (1 of 4 stars; one submission).

Conditions:
Catecholaminergic polymorphic ventricular tachycardia 1. Also called: VENTRICULAR TACHYCARDIA, STRESS-INDUCED POLYMORPHIC 1; VENTRICULAR TACHYCARDIA, CATECHOLAMINERGIC POLYMORPHIC, 1, WITH OR WITHOUT ATRIAL DYSFUNCTION AND/OR DILATED CARDIOMYOPATHY; RYR2-Related Catecholaminergic Polymorphic Ventricular Tachycardia. Identifiers: Orphanet 3286, MedGen C1631597, MONDO:0011484, OMIM 604772.

Submission:

Labcorp Genetics (formerly Invitae), Labcorp
Classification: Uncertain significance for Catecholaminergic polymorphic ventricular tachycardia 1. Last evaluated: 2022-11-23. Review status: criteria provided, single submitter. Criteria: Invitae Variant Classification Sherloc (09022015). Collection method: clinical testing. Allele origin: germline.
Comment: Advanced modeling of protein sequence and biophysical properties (such as structural, functional, and spatial information, amino acid conservation, physicochemical variation, residue mobility, and thermodynamic stability) performed at Invitae indicates that this missense variant is not expected to disrupt RYR2 protein function. This variant has not been reported in the literature in individuals affected with RYR2-related conditions. This variant is not present in population databases (gnomAD no frequency). This sequence change replaces serine, which is neutral and polar, with cysteine, which is neutral and slightly polar, at codon 3771 of the RYR2 protein (p.Ser3771Cys). In summary, the available evidence is currently insufficient to determine the role of this variant in disease. Therefore, it has been classified as a Variant of Uncertain Significance.

NM_001035.3(RYR2):c.11312C>G (p.Ser3771Cys)

Gene: RYR2 (ryanodine receptor 2; plus strand). Cytogenetic location: 1q43.
Variant type: single nucleotide variant.
Coding change: c.11312C>G on transcript NM_001035.3 (MANE Select); coding-DNA position 11312, C replaced by G.
Protein change: p.Ser3771Cys; replaces serine 3771 with cysteine.
Molecular consequence: missense variant.
Genome position (GRCh38, 1-based): chr1:237,757,763, C>G. VCF-style: chr1-237757763-C-G. GRCh37 (hg19) VCF-style: chr1-237921063-C-G.
Other names: short protein forms S3771C.
Identifiers: ClinVar variation 2815836 (VCV002815836.3), dbSNP rs2527416808, ClinGen allele CA345427725.